The following is an entry in ClinVar:

ClinVar aggregate classification (germline): Uncertain significance (1 of 4 stars; one submission).

gnomAD v4.1: 21 of 1,496,850 alleles (0.0014%); highest among the groups gnomAD compares: South Asian, 0.012%; 1 homozygote.

Submission:

Ambry Genetics
Classification: Uncertain significance. Last evaluated: 2024-12-07. Review status: criteria provided, single submitter. Criteria: Ambry Variant Classification Scheme 2023. Collection method: clinical testing. Allele origin: germline.
Comment: The p.V1801M variant (also known as c.5401G>A), located in coding exon 22 of the WNK2 gene, results from a G to A substitution at nucleotide position 5401. The valine at codon 1801 is replaced by methionine, an amino acid with highly similar properties. This amino acid position is conserved. In addition, this alteration is predicted to be tolerated by in silico analysis. Based on the available evidence, the clinical significance of this variant remains unclear.

NM_006648.4(WNK2):c.5401G>A (p.Val1801Met)

Gene: WNK2 (WNK lysine deficient protein kinase 2; plus strand). Cytogenetic location: 9q22.31.
Variant type: single nucleotide variant.
Coding change: c.5401G>A on transcript NM_006648.4 (MANE Select); coding-DNA position 5401, G replaced by A.
Protein change: p.Val1801Met; replaces valine 1801 with methionine.
Molecular consequence: missense variant.
Genome position (GRCh38, 1-based): chr9:93,292,866, G>A. VCF-style: chr9-93292866-G-A. GRCh37 (hg19) VCF-style: chr9-96055148-G-A.
Other names: c.5512G>A, p.Val1838Met (NM_001282394.3); short protein forms V1801M, V1838M.
Identifiers: ClinVar variation 3470629 (VCV003470629.1).